The following is an entry in ClinVar:

NM_015638.3(TRPC4AP):c.-5G>A

Gene: TRPC4AP (transient receptor potential cation channel subfamily C member 4 associated protein; minus strand). Cytogenetic location: 20q11.22.
Variant type: single nucleotide variant.
Coding change: c.-5G>A on transcript NM_015638.3 (MANE Select); 5 bases upstream of the start codon, G replaced by A.
Molecular consequence: 5 prime UTR variant.
Genome position (GRCh38, 1-based): chr20:35,092,786, C>T on the plus strand (G>A on the coding strand, the complement: TRPC4AP is on the minus strand). VCF-style: chr20-35092786-C-T. GRCh37 (hg19) VCF-style: chr20-33680589-C-T.
Other names: c.-5G>A (NM_199368.2).
Identifiers: ClinVar variation 4083572 (VCV004083572.8).

ClinVar aggregate classification (germline): Benign (1 of 4 stars; one submission).

gnomAD v4.1: 5,290 of 1,527,060 alleles (0.35%); highest among the groups gnomAD compares: South Asian, 1.3%; 36 homozygotes.

Submission:

CeGaT Center for Human Genetics Tuebingen
Classification: Benign. Last evaluated: 2025-07-01. Review status: criteria provided, single submitter. Criteria: CeGaT Center For Human Genetics Tuebingen Variant Classification Criteria Version 2. Collection method: clinical testing. Allele origin: germline. Affected: yes. Observed: 1 variant allele.
Comment: TRPC4AP: BP4, BS1, BS2